The following is an entry in ClinVar:

ClinVar aggregate classification (germline): Uncertain significance (1 of 4 stars; one submission).

gnomAD v4.1: 1 of 1,613,160 alleles (0.000062%); highest among the groups gnomAD compares: Non-Finnish European, 0.000085%; no homozygotes.

Submission:

Ambry Genetics
Classification: Uncertain significance. Last evaluated: 2024-04-22. Review status: criteria provided, single submitter. Criteria: Ambry Variant Classification Scheme 2023. Collection method: clinical testing. Allele origin: germline.
Comment: The p.H1190Q variant (also known as c.3570T>A), located in coding exon 16 of the POLQ gene, results from a T to A substitution at nucleotide position 3570. The histidine at codon 1190 is replaced by glutamine, an amino acid with highly similar properties. This amino acid position is conserved. In addition, this alteration is predicted to be tolerated by in silico analysis. Based on the available evidence, the clinical significance of this variant remains unclear.

NM_199420.4(POLQ):c.3570T>A (p.His1190Gln)

Gene: POLQ (DNA polymerase theta; minus strand). Cytogenetic location: 3q13.33.
Variant type: single nucleotide variant.
Coding change: c.3570T>A on transcript NM_199420.4 (MANE Select); coding-DNA position 3570, T replaced by A.
Protein change: p.His1190Gln; replaces histidine 1190 with glutamine.
Molecular consequence: missense variant.
Genome position (GRCh38, 1-based): chr3:121,489,361, A>T on the plus strand (T>A on the coding strand, the complement: POLQ is on the minus strand). VCF-style: chr3-121489361-A-T. GRCh37 (hg19) VCF-style: chr3-121208208-A-T.
Other names: short protein forms H1190Q.
Identifiers: ClinVar variation 3308530 (VCV003308530.1).